The following is an entry in ClinVar:

ClinVar aggregate classification (germline): Likely benign (1 of 4 stars; one submission).

Conditions:
Familial cancer of breast. Also called: hereditary breast carcinoma; BREAST CANCER, FAMILIAL; Hereditary breast cancer. Identifiers: Orphanet 227535, MedGen C0346153, MONDO:0016419, OMIM 114480. Disease mechanism: loss of function.

Submission:

Myriad Genetics, Inc.
Classification: Likely benign for Familial cancer of breast. Last evaluated: 2024-06-18. Review status: criteria provided, single submitter. Criteria: Myriad Autosomal Dominant, Autosomal Recessive and X-Linked Classification Criteria (2023). Collection method: clinical testing. Allele origin: unknown.
Comment: This variant is considered likely benign. This variant is intronic and is not expected to impact mRNA splicing.

NM_000051.4(ATM):c.8010+7T>G

Genes: ATM (ATM serine/threonine kinase; plus strand), C11orf65 (chromosome 11 open reading frame 65; minus strand). Cytogenetic location: 11q22.3.
Variant type: single nucleotide variant.
Coding change: c.8010+7T>G on transcript NM_000051.4 (MANE Select); 7 bases into the intron after coding-DNA position 8010, T replaced by G.
Molecular consequence: intron variant.
Genome position (GRCh38, 1-based): chr11:108,333,975, T>G. VCF-style: chr11-108333975-T-G. GRCh37 (hg19) VCF-style: chr11-108204702-T-G.
Other names: c.8010+7T>G (NM_001351834.2); c.641-24904A>C (NM_001330368.2); c.*38+1245A>C (NM_001351110.2).
Identifiers: ClinVar variation 3253928 (VCV003253928.1), dbSNP rs2547316178.